The following is an entry in ClinVar:

ClinVar aggregate classification (germline): Likely benign (1 of 4 stars; one submission).

Allele frequency attached by ClinVar (database versions not stated): 1000 Genomes Project 0.00120; 1000 Genomes Project 30x 0.00125; ESP Exome Variant Server 0.00185; TOPMed 0.00202; gnomAD 0.00221; ExAC 0.00269.
gnomAD v4.1: 4,548 of 1,614,122 alleles (0.28%); highest among the groups gnomAD compares: Non-Finnish European, 0.33%; 10 homozygotes.

Submission:

CeGaT Center for Human Genetics Tuebingen
Classification: Likely benign. Last evaluated: 2022-08-01. Review status: criteria provided, single submitter. Criteria: CeGaT Center For Human Genetics Tuebingen Variant Classification Criteria Version 2. Collection method: clinical testing. Allele origin: germline. Affected: yes. Observed: 1 variant allele.
Comment: CD300LB: BP4, BP7

NM_174892.4(CD300LB):c.510C>A (p.Leu170=)

Gene: CD300LB (CD300 molecule like family member b; minus strand). Cytogenetic location: 17q25.1.
Variant type: single nucleotide variant.
Coding change: c.510C>A on transcript NM_174892.4 (MANE Select); coding-DNA position 510, C replaced by A.
Protein change: p.Leu170=; no amino-acid change (leucine 170 retained).
Molecular consequence: synonymous variant.
Genome position (GRCh38, 1-based): chr17:74,522,834, G>T on the plus strand (C>A on the coding strand, the complement: CD300LB is on the minus strand). VCF-style: chr17-74522834-G-T. GRCh37 (hg19) VCF-style: chr17-72518973-G-T.
Identifiers: ClinVar variation 2648224 (VCV002648224.24), dbSNP rs114955209, ClinGen allele CA8748616.